The following is an entry in ClinVar:

NC_000006.12:g.136792731T>A

Genes: MAP3K5 (mitogen-activated protein kinase kinase kinase 5; minus strand), LOC129997242 (ATAC-STARR-seq lymphoblastoid active region 25123; plus strand). Cytogenetic location: 6q23.3.
Variant type: single nucleotide variant.
Genome position: GRCh38 VCF-style: chr6-136792731-T-A. GRCh37 (hg19) VCF-style: chr6-137113869-T-A.
Identifiers: ClinVar variation 2656932 (VCV002656932.24), dbSNP rs191122707, ClinGen allele CA148637483.

ClinVar aggregate classification (germline): Benign (1 of 4 stars; one submission).

Allele frequency attached by ClinVar (database versions not stated): TOPMed 0.00581; gnomAD 0.00504; 1000 Genomes Project 0.00519; 1000 Genomes Project 30x 0.00578.
gnomAD v4.1: 762 of 152,304 alleles (0.5%); highest among the groups gnomAD compares: African/African-American, 1.3%; 4 homozygotes.

Submission:

CeGaT Center for Human Genetics Tuebingen
Classification: Benign. Last evaluated: 2023-04-01. Review status: criteria provided, single submitter. Criteria: CeGaT Center For Human Genetics Tuebingen Variant Classification Criteria Version 2. Collection method: clinical testing. Allele origin: germline. Affected: yes. Observed: 1 variant allele.
Comment: MAP3K5: BS1, BS2